The following is an entry in ClinVar:

NM_006567.5(FARS2):c.1093A>C (p.Asn365His)

Gene: FARS2 (phenylalanyl-tRNA synthetase 2, mitochondrial; plus strand). Cytogenetic location: 6p25.1.
Variant type: single nucleotide variant.
Coding change: c.1093A>C on transcript NM_006567.5 (MANE Select); coding-DNA position 1093, A replaced by C.
Protein change: p.Asn365His; replaces asparagine 365 with histidine.
Molecular consequence: missense variant.
Genome position (GRCh38, 1-based): chr6:5,613,196, A>C. VCF-style: chr6-5613196-A-C. GRCh37 (hg19) VCF-style: chr6-5613429-A-C.
Other names: c.1093A>C, p.Asn365His (NM_001318872.2, NM_001374875.1, NM_001374876.1 and 4 more transcripts); c.961A>C, p.Asn321His (NM_001375258.1); c.397A>C, p.Asn133His (NM_001375259.1, NM_001375260.1); short protein forms N133H, N321H, N365H.
Identifiers: ClinVar variation 2130378 (VCV002130378.4), dbSNP rs1270112359, ClinGen allele CA362736802.

ClinVar aggregate classification (germline): Uncertain significance (1 of 4 stars; one submission).

Conditions:
Combined oxidative phosphorylation defect type 14. Also called: Combined oxidative phosphorylation deficiency 14. Identifiers: Orphanet 319519, MedGen C4755312, MONDO:0013986, OMIM 614946.

Allele frequency attached by ClinVar (database versions not stated): TOPMed below 0.00001; gnomAD 0.00001.
gnomAD v4.1: 1 of 1,613,140 alleles (0.000062%); highest among the groups gnomAD compares: Non-Finnish European, 0.000085%; no homozygotes.

Submission:

Labcorp Genetics (formerly Invitae), Labcorp
Classification: Uncertain significance for Combined oxidative phosphorylation defect type 14. Last evaluated: 2022-04-24. Review status: criteria provided, single submitter. Criteria: Invitae Variant Classification Sherloc (09022015). Collection method: clinical testing. Allele origin: germline.
Comment: In summary, the available evidence is currently insufficient to determine the role of this variant in disease. Therefore, it has been classified as a Variant of Uncertain Significance. Advanced modeling of protein sequence and biophysical properties (such as structural, functional, and spatial information, amino acid conservation, physicochemical variation, residue mobility, and thermodynamic stability) performed at Invitae indicates that this missense variant is expected to disrupt FARS2 protein function. This variant has not been reported in the literature in individuals affected with FARS2-related conditions. This variant is not present in population databases (gnomAD no frequency). This sequence change replaces asparagine, which is neutral and polar, with histidine, which is basic and polar, at codon 365 of the FARS2 protein (p.Asn365His).